The following is an entry in ClinVar:

NM_144736.5(NDUFAF7):c.-36del

Genes: NDUFAF7 (NADH:ubiquinone oxidoreductase complex assembly factor 7; plus strand), LOC126806192 (CDK7 strongly-dependent group 2 enhancer GRCh37_chr2:37458084-37459283; plus strand). Cytogenetic location: 2p22.2.
Variant type: Deletion.
Coding change: c.-36del on transcript NM_144736.5 (MANE Select); 36 bases upstream of the start codon, one base deleted (G; older notation c.-36delG).
Molecular consequence: 5 prime UTR variant. On other transcripts: non-coding transcript variant (10).
Genome position (GRCh38, 1-based): chr2:37,231,670, G deleted. VCF-style (leftmost placement, unchanged base first): chr2-37231669-AG-A. GRCh37 (hg19) VCF-style: chr2-37458812-AG-A.
Other names: c.-36del (NM_001083946.2, NM_001350024.2, NM_001350025.2 and 1 more transcripts).
Identifiers: ClinVar variation 418379 (VCV000418379.1), dbSNP rs769474358, ClinGen allele CA1616950.

ClinVar aggregate classification (germline): Benign (1 of 4 stars; one submission).

Allele frequency attached by ClinVar (database versions not stated): gnomAD exomes 0.00083 and 0.00160; gnomAD 0.00116 and 0.00123; TOPMed 0.00119; ExAC 0.00141; ESP Exome Variant Server 0.02516.

Submission:

GeneDx
Classification: Benign. Last evaluated: 2016-05-20. Review status: criteria provided, single submitter. Criteria: GeneDx Variant Classification (06012015). Collection method: clinical testing. Allele origin: germline. Affected: yes.
Comment: This variant is considered likely benign or benign based on one or more of the following criteria: it is a conservative change, it occurs at a poorly conserved position in the protein, it is predicted to be benign by multiple in silico algorithms, and/or has population frequency not consistent with disease.